The following is an entry in ClinVar:

NM_001243133.2(NLRP3):c.930C>T (p.Asp310=)

Gene: NLRP3 (NLR family pyrin domain containing 3; plus strand). Cytogenetic location: 1q44.
Variant type: single nucleotide variant.
Coding change: c.930C>T on transcript NM_001243133.2 (MANE Select); coding-DNA position 930, C replaced by T.
Protein change: p.Asp310=; no amino-acid change (aspartic acid 310 retained).
Molecular consequence: synonymous variant.
Genome position (GRCh38, 1-based): chr1:247,424,379, C>T. VCF-style: chr1-247424379-C-T. GRCh37 (hg19) VCF-style: chr1-247587681-C-T.
Other names: c.930C>T, p.Asp310= (NM_001079821.3, NM_001127461.3, NM_001127462.3 and 1 more transcripts); c.936C>T, p.Asp312= (NM_004895.5).
Identifiers: ClinVar variation 97986 (VCV000097986.60), dbSNP rs143840033, ClinGen allele CA281419.

ClinVar aggregate classification (germline): Benign/Likely benign. Review status: criteria provided, multiple submitters, no conflicts (2 of 4 stars). 15 submissions from 13 submitters: Benign (7); Likely benign (5). 3 of the submissions do not count toward it. Last evaluated 2026-05-01.

Conditions:
Cryopyrin associated periodic syndrome (CAPS). Identifiers: Orphanet 208650, MedGen C2316212, MONDO:0016168.
Autoinflammatory syndrome. Identifiers: Orphanet 93665, MedGen C3890737, MONDO:0019751.
Familial cold autoinflammatory syndrome 1 (FCAS1). Also called: Familial cold inflammatory syndrome 1; CRYOPYRIN-ASSOCIATED PERIODIC SYNDROME 1. Identifiers: Orphanet 47045, MedGen C4551895, MONDO:0007349, OMIM 120100.
Chronic infantile neurological, cutaneous and articular syndrome (CINCA). Also called: Prieur Griscelli syndrome; CRYOPYRIN-ASSOCIATED PERIODIC SYNDROME 3; CINCA syndrome; CHRONIC NEUROLOGIC CUTANEOUS AND ARTICULAR SYNDROME. Identifiers: Orphanet 1451, MedGen C0409818, MONDO:0011776, OMIM 607115.
Familial amyloid nephropathy with urticaria AND deafness (MWS). Also called: UDA SYNDROME; URTICARIA-DEAFNESS-AMYLOIDOSIS SYNDROME; MUCKLE-WELLS SYNDROME; Urticaria, deafness and amyloidosis; CRYOPYRIN-ASSOCIATED PERIODIC SYNDROME 2. Identifiers: Orphanet 575, MedGen C0268390, MONDO:0008633, OMIM 191900.

Allele frequency attached by ClinVar (database versions not stated): TOPMed 0.00090; 1000 Genomes Project 0.00100; ESP Exome Variant Server 0.00115; gnomAD exomes 0.00120 and 0.00072; ExAC 0.00122; gnomAD 0.00076 and 0.00081; 1000 Genomes Project 30x 0.00078.
gnomAD v4.1: 1,246 of 1,614,030 alleles (0.077%); highest among the groups gnomAD compares: Middle Eastern, 0.49%; 4 homozygotes.

Submissions (15):

CeGaT Center for Human Genetics Tuebingen
Classification: Likely benign. Last evaluated: 2026-05-01. Review status: criteria provided, single submitter. Criteria: CeGaT Center For Human Genetics Tuebingen Variant Classification Criteria Version 2. Collection method: clinical testing. Allele origin: germline. Affected: yes. Observed: 17 variant alleles.
Comment: NLRP3: BP4, BP7, BS1

Labcorp Genetics (formerly Invitae), Labcorp
Classification: Benign for Cryopyrin associated periodic syndrome. Last evaluated: 2026-01-26. Review status: criteria provided, single submitter. Criteria: Invitae Variant Classification Sherloc (09022015). Collection method: clinical testing. Allele origin: germline.

Blueprint Genetics
Classification: Likely benign. Last evaluated: 2024-11-22. Review status: criteria provided, single submitter. Criteria: ACMG Guidelines, 2015. Collection method: clinical testing. Allele origin: germline.

ARUP Laboratories, Molecular Genetics and Genomics, ARUP Laboratories
Classification: Likely benign. Last evaluated: 2024-09-10. Review status: criteria provided, single submitter. Criteria: ARUP Molecular Germline Variant Investigation Process 2024. Collection method: clinical testing. Allele origin: germline.

Genome Diagnostics Laboratory, The Hospital for Sick Children
Classification: Benign for Autoinflammatory syndrome. Last evaluated: 2021-02-26. Review status: criteria provided, single submitter. Criteria: ACMG Guidelines, 2015. Collection method: clinical testing. Allele origin: germline. Affected: yes.

Athena Diagnostics
Classification: Benign. Last evaluated: 2019-08-05. Review status: criteria provided, single submitter. Criteria: Athena Diagnostics Criteria. Collection method: clinical testing. Allele origin: germline.

Illumina Laboratory Services, Illumina
Classification: Benign for Familial amyloid nephropathy with urticaria AND deafness. Last evaluated: 2018-03-20. Review status: criteria provided, single submitter. Criteria: ICSL Variant Classification Criteria 13 December 2019. Collection method: clinical testing. Allele origin: germline.
Comment: This variant was observed in the ICSL laboratory as part of a predisposition screen in an ostensibly healthy population. It had not been previously curated by ICSL or reported in the Human Gene Mutation Database (HGMD: prior to June 1st, 2018), and was therefore a candidate for classification through an automated scoring system. Utilizing variant allele frequency, disease prevalence and penetrance estimates, and inheritance mode, an automated score was calculated to assess if this variant is too frequent to cause the disease. Based on the score and internal cut-off values, a variant classified as benign is not then subjected to further curation. The score for this variant resulted in a classification of benign for this disease.

Illumina Laboratory Services, Illumina
Classification: Benign for Chronic infantile neurological, cutaneous and articular syndrome. Last evaluated: 2018-03-20. Review status: criteria provided, single submitter. Criteria: ICSL Variant Classification Criteria 13 December 2019. Collection method: clinical testing. Allele origin: germline.
Comment: the same text as in the submission from Illumina Laboratory Services, Illumina above.

Illumina Laboratory Services, Illumina
Classification: Benign for Familial cold autoinflammatory syndrome 1. Last evaluated: 2018-03-20. Review status: criteria provided, single submitter. Criteria: ICSL Variant Classification Criteria 13 December 2019. Collection method: clinical testing. Allele origin: germline.
Comment: the same text as in the submission from Illumina Laboratory Services, Illumina above.

GeneDx
Classification: Benign. Last evaluated: 2015-03-03. Review status: criteria provided, single submitter. Criteria: GeneDx Variant Classification Process June 2021. Collection method: clinical testing. Allele origin: germline. Affected: yes.

Breakthrough Genomics
Classification: Likely benign. Review status: criteria provided, single submitter. Criteria: ACMG Guidelines, 2015. Collection method: not provided. Allele origin: germline. Inheritance: Autosomal dominant inheritance. Affected: yes.

PreventionGenetics, part of Exact Sciences
Classification: Likely benign. Review status: criteria provided, single submitter. Criteria: ACMG Guidelines, 2015. Collection method: clinical testing. Allele origin: germline.

Clinical Genetics DNA and cytogenetics Diagnostics Lab, Erasmus MC, Erasmus Medical Center
Classification: Likely benign. Review status: no assertion criteria provided. Collection method: clinical testing. Allele origin: germline. Affected: yes. Study: VKGL Data-share Consensus. Not counted in ClinVar's aggregate classification.

Genome Diagnostics Laboratory, University Medical Center Utrecht
Classification: Likely benign. Review status: no assertion criteria provided. Collection method: clinical testing. Allele origin: germline. Affected: yes. Study: VKGL Data-share Consensus. Not counted in ClinVar's aggregate classification.

Unité médicale des maladies autoinflammatoires, CHRU Montpellier
No classification provided. Condition: Familial cold urticaria. Review status: no classification provided. Collection method: not provided. Allele origin: unknown. Not counted in ClinVar's aggregate classification.
Comment: also involved in OMIM 191900 and 607115

Literature cited by the submitters: PubMed 24135410 (cited by Athena Diagnostics).